The following is an entry in ClinVar:

ClinVar aggregate classification (germline): Benign. Review status: criteria provided, multiple submitters, no conflicts (2 of 4 stars). 2 submissions from 2 submitters: Benign (2). Last evaluated 2018-06-18.

Allele frequency attached by ClinVar (database versions not stated): gnomAD 0.62257 and 0.63332; TOPMed 0.63222; 1000 Genomes Project 0.59665; 1000 Genomes Project 30x 0.60540.
gnomAD v4.1: 94,543 of 152,072 alleles (62%); highest among the groups gnomAD compares: African/African-American, 84%; 30,842 homozygotes.

Submissions (2):

GeneDx
Classification: Benign. Last evaluated: 2018-06-18. Review status: criteria provided, single submitter. Criteria: GeneDx Variant Classification (06012015). Collection method: clinical testing. Allele origin: germline. Affected: yes.
Comment: This variant is considered likely benign or benign based on one or more of the following criteria: it is a conservative change, it occurs at a poorly conserved position in the protein, it is predicted to be benign by multiple in silico algorithms, and/or has population frequency not consistent with disease.

Breakthrough Genomics
Classification: Benign. Review status: criteria provided, single submitter. Criteria: ACMG Guidelines, 2015. Collection method: not provided. Allele origin: germline. Inheritance: Autosomal dominant inheritance. Affected: yes.

NM_000093.5(COL5A1):c.3907-258A>G

Gene: COL5A1 (collagen type V alpha 1 chain; plus strand). Cytogenetic location: 9q34.3.
Variant type: single nucleotide variant.
Coding change: c.3907-258A>G on transcript NM_000093.5 (MANE Select); 258 bases into the intron before coding-DNA position 3907, A replaced by G.
Molecular consequence: intron variant.
Genome position (GRCh38, 1-based): chr9:134,814,539, A>G. VCF-style: chr9-134814539-A-G. GRCh37 (hg19) VCF-style: chr9-137706385-A-G.
Other names: c.3907-258A>G (NM_001278074.1).
Identifiers: ClinVar variation 683385 (VCV000683385.2), dbSNP rs4841933, ClinGen allele CA12975189.